The following is an entry in ClinVar:

NM_016042.4(EXOSC3):c.13G>T (p.Ala5Ser)

Gene: EXOSC3 (exosome component 3; minus strand). Cytogenetic location: 9p13.2.
Variant type: single nucleotide variant.
Coding change: c.13G>T on transcript NM_016042.4 (MANE Select); coding-DNA position 13, G replaced by T.
Protein change: p.Ala5Ser; replaces alanine 5 with serine.
Molecular consequence: missense variant.
Genome position (GRCh38, 1-based): chr9:37,785,032, C>A on the plus strand (G>T on the coding strand, the complement: EXOSC3 is on the minus strand). VCF-style: chr9-37785032-C-A. GRCh37 (hg19) VCF-style: chr9-37785029-C-A.
Other names: c.13G>T, p.Ala5Ser (NM_001002269.2); short protein forms A5S.
Identifiers: ClinVar variation 546514 (VCV000546514.8), dbSNP rs549030188, ClinGen allele CA5062882.
Genomic context (GRCh38, chr9:37,785,032, plus strand): 5'-CTAGTACTGTGCGTGCAGCGCGCGCCCTGCTGCCCGCGAGAGATTCAGCCGCGACAGACG[C>A]AGGTTCGGCCATCGCGGGCTCCACCAAACACCGTTTCCGGTACCCGCCTTCCGCTTCCGC-3'
Protein context (NP_057126.2, residues 1-15): MAEP[Ala5Ser]SVAAESLAGS

ClinVar aggregate classification (germline): Conflicting classifications of pathogenicity. Review status: criteria provided, conflicting classifications (1 of 4 stars). 3 submissions from 3 submitters: Uncertain significance (2); Likely benign (1). Last evaluated 2026-02-02.

Conditions:
Pontocerebellar hypoplasia type 1B. Also called: EXOSC3 Pontocerebellar Hypoplasia. Identifiers: Orphanet 2254, MedGen C3553449, MONDO:0013853, OMIM 614678.

Allele frequency attached by ClinVar (database versions not stated): TOPMed 0.00002.
gnomAD v4.1: 52 of 1,597,676 alleles (0.0033%); highest among the groups gnomAD compares: Non-Finnish European, 0.0015%; no homozygotes.

Submissions (3):

Labcorp Genetics (formerly Invitae), Labcorp
Classification: Likely benign for Pontocerebellar hypoplasia type 1B. Last evaluated: 2026-02-02. Review status: criteria provided, single submitter. Criteria: Invitae Variant Classification Sherloc (09022015). Collection method: clinical testing. Allele origin: germline.

GeneDx
Classification: Uncertain significance. Last evaluated: 2018-05-30. Review status: criteria provided, single submitter. Criteria: GeneDx Variant Classification (06012015). Collection method: clinical testing. Allele origin: germline. Affected: yes.
Comment: A variant of uncertain significance has been identified in the EXOSC3 gene. The A5S variant has not been published as a pathogenic variant, nor has it been reported as a benign variant to our knowledge. The A5S variant is observed in 9/9548 (0.1%) alleles from individuals of Ashkenazi Jewish background in large population cohorts (Lek et al., 2016). The A5S variant is a non-conservative amino acid substitution, which is likely to impact secondary protein structure as these residues differ in polarity, charge, size and/or other properties. However, in-silico analyses, including protein predictors and evolutionary conservation, support that this variant does not alter protein structure/function. Therefore, based on the currently available information, it is unclear whether this variant is a pathogenic variant or a rare benign variant.

Illumina Laboratory Services, Illumina
Classification: Uncertain significance for Pontocerebellar hypoplasia type 1B. Last evaluated: 2018-01-12. Review status: criteria provided, single submitter. Criteria: ICSL Variant Classification Criteria 13 December 2019. Collection method: clinical testing. Allele origin: germline.